The following is an entry in ClinVar:

ClinVar aggregate classification (germline): Benign/Likely benign. Review status: criteria provided, multiple submitters, no conflicts (2 of 4 stars). 4 submissions from 4 submitters: Benign (2); Likely benign (2). Last evaluated 2025-04-28.

Conditions:
VCAN-related disorder. Also called: VCAN-related condition.
Vitreoretinopathy. Also called: Vitreoretinal degeneration. Identifiers: MedGen C0344290, MONDO:0020248, HP:0007773.

Allele frequency attached by ClinVar (database versions not stated): gnomAD 0.00003 and 0.00004; TOPMed 0.00005; gnomAD exomes 0.00009 and 0.00002; ExAC 0.00011; 1000 Genomes Project 30x 0.00016; 1000 Genomes Project 0.00020.
gnomAD v4.1: 36 of 1,614,178 alleles (0.0022%); highest among the groups gnomAD compares: East Asian, 0.042%; no homozygotes.

Submissions (4):

PreventionGenetics, part of Exact Sciences
Classification: Likely benign for VCAN-related condition. Last evaluated: 2025-04-28. Review status: criteria provided, single submitter. Criteria: ACMG Guidelines, 2015. Collection method: clinical testing. Allele origin: germline.
Comment: This variant is classified as likely benign based on ACMG/AMP sequence variant interpretation guidelines (Richards et al. 2015 PMID: 25741868, with internal and published modifications).

Labcorp Genetics (formerly Invitae), Labcorp
Classification: Benign. Last evaluated: 2024-06-23. Review status: criteria provided, single submitter. Criteria: Invitae Variant Classification Sherloc (09022015). Collection method: clinical testing. Allele origin: germline.

Blueprint Genetics
Classification: Likely benign. Last evaluated: 2024-02-05. Review status: criteria provided, single submitter. Criteria: ACMG Guidelines, 2015. Collection method: clinical testing. Allele origin: germline.

Illumina Laboratory Services, Illumina
Classification: Benign for Vitreoretinopathy. Last evaluated: 2018-01-13. Review status: criteria provided, single submitter. Criteria: ICSL Variant Classification Criteria 13 December 2019. Collection method: clinical testing. Allele origin: germline.
Comment: This variant was observed in the ICSL laboratory as part of a predisposition screen in an ostensibly healthy population. It had not been previously curated by ICSL or reported in the Human Gene Mutation Database (HGMD: prior to June 1st, 2018), and was therefore a candidate for classification through an automated scoring system. Utilizing variant allele frequency, disease prevalence and penetrance estimates, and inheritance mode, an automated score was calculated to assess if this variant is too frequent to cause the disease. Based on the score and internal cut-off values, a variant classified as benign is not then subjected to further curation. The score for this variant resulted in a classification of benign for this disease.

NM_004385.5(VCAN):c.690T>C (p.Tyr230=)

Gene: VCAN (versican; plus strand). Cytogenetic location: 5q14.2.
Variant type: single nucleotide variant.
Coding change: c.690T>C on transcript NM_004385.5 (MANE Select); coding-DNA position 690, T replaced by C.
Protein change: p.Tyr230=; no amino-acid change (tyrosine 230 retained).
Molecular consequence: synonymous variant.
Genome position (GRCh38, 1-based): chr5:83,493,873, T>C. VCF-style: chr5-83493873-T-C. GRCh37 (hg19) VCF-style: chr5-82789692-T-C.
Other names: c.690T>C, p.Tyr230= (NM_001126336.3, NM_001164097.2, NM_001164098.2).
Identifiers: ClinVar variation 354392 (VCV000354392.16), dbSNP rs539798172, ClinGen allele CA3332500.